The following is an entry in ClinVar:

NM_024675.4(PALB2):c.733G>T (p.Ala245Ser)

Gene: PALB2 (partner and localizer of BRCA2; minus strand). Cytogenetic location: 16p12.2.
Variant type: single nucleotide variant.
Coding change: c.733G>T on transcript NM_024675.4 (MANE Select); coding-DNA position 733, G replaced by T.
Protein change: p.Ala245Ser; replaces alanine 245 with serine.
Molecular consequence: missense variant. On other transcripts: 5 prime UTR variant (8), intron variant (3).
Genome position (GRCh38, 1-based): chr16:23,635,813, C>A on the plus strand (G>T on the coding strand, the complement: PALB2 is on the minus strand). VCF-style: chr16-23635813-C-A. GRCh37 (hg19) VCF-style: chr16-23647134-C-A.
Other names: c.673G>T, p.Ala225Ser (NM_001407296.1); c.733G>T, p.Ala245Ser (NM_001407297.1, NM_001407298.1, NM_001407299.1 and 3 more transcripts); c.-153G>T (NM_001407304.1, NM_001407305.1, NM_001407306.1 and 5 more transcripts); c.48+5297G>T (NM_001407314.1); c.-105+5297G>T (NM_001407313.1, NM_001407312.1); short protein forms A245S, A225S.
Identifiers: ClinVar variation 3708264 (VCV003708264.3).

ClinVar aggregate classification (germline): Conflicting classifications of pathogenicity. Review status: criteria provided, conflicting classifications (1 of 4 stars). 2 submissions from 2 submitters: Uncertain significance (1); Likely benign (1). Last evaluated 2025-10-21.

Conditions:
Hereditary cancer-predisposing syndrome. Also called: Hereditary neoplastic syndrome; Neoplastic Syndromes, Hereditary; Hereditary Cancer Syndrome; Tumor predisposition. Identifiers: Orphanet 140162, MedGen C0027672, MeSH D009386, MONDO:0015356.
Familial cancer of breast. Also called: Hereditary breast cancer; BREAST CANCER, FAMILIAL; hereditary breast carcinoma. Identifiers: Orphanet 227535, MedGen C0346153, MONDO:0016419, OMIM 114480. Disease mechanism: loss of function.

Submissions (2):

Labcorp Genetics (formerly Invitae), Labcorp
Classification: Uncertain significance for Familial cancer of breast. Last evaluated: 2025-10-21. Review status: criteria provided, single submitter. Criteria: Invitae Variant Classification Sherloc (09022015). Collection method: clinical testing. Allele origin: germline.
Comment: This sequence change replaces alanine, which is neutral and non-polar, with serine, which is neutral and polar, at codon 245 of the PALB2 protein (p.Ala245Ser). This variant is not present in population databases (gnomAD no frequency). This variant has not been reported in the literature in individuals affected with PALB2-related conditions. ClinVar contains an entry for this variant (Variation ID: 3708264). An algorithm developed to predict the effect of missense changes on protein structure and function (PolyPhen-2) suggests that this variant is likely to be tolerated. In summary, the available evidence is currently insufficient to determine the role of this variant in disease. Therefore, it has been classified as a Variant of Uncertain Significance.

Ambry Genetics
Classification: Likely benign for Hereditary cancer-predisposing syndrome. Last evaluated: 2025-01-08. Review status: criteria provided, single submitter. Criteria: Ambry Variant Classification Scheme 2023. Collection method: clinical testing. Allele origin: germline.